The following is an entry in ClinVar:

NM_177438.3(DICER1):c.4987A>G (p.Ile1663Val)

Gene: DICER1 (dicer 1, ribonuclease III; minus strand). Cytogenetic location: 14q32.13.
Variant type: single nucleotide variant.
Coding change: c.4987A>G on transcript NM_177438.3 (MANE Select); coding-DNA position 4987, A replaced by G.
Protein change: p.Ile1663Val; replaces isoleucine 1663 with valine.
Molecular consequence: missense variant.
Genome position (GRCh38, 1-based): chr14:95,095,933, T>C on the plus strand (A>G on the coding strand, the complement: DICER1 is on the minus strand). VCF-style: chr14-95095933-T-C. GRCh37 (hg19) VCF-style: chr14-95562270-T-C.
Other names: c.4987A>G, p.Ile1663Val (NM_001195573.1, NM_001271282.3, NM_001291628.2 and 1 more transcripts); short protein forms I1663V.
Identifiers: ClinVar variation 477231 (VCV000477231.15), dbSNP rs1555367530, ClinGen allele CA390866161.

ClinVar aggregate classification (germline): Uncertain significance. Review status: criteria provided, multiple submitters, no conflicts (2 of 4 stars). 3 submissions from 3 submitters: Uncertain significance (3). Last evaluated 2024-04-15.

Conditions:
Global developmental delay - lung cysts - overgrowth - Wilms tumor syndrome. Also called: GLOW Syndrome; GLOBAL DEVELOPMENTAL DELAY, LUNG CYSTS, OVERGROWTH, AND WILMS TUMOR. Identifiers: Orphanet 404476, MedGen C4748924, MONDO:0018445, OMIM 618272.
DICER1-related tumor predisposition. Also called: DICER1-related pleuropulmonary blastoma cancer predisposition syndrome; DICER1 syndrome. Identifiers: Orphanet 284343, MedGen C3839822, MONDO:0100216.
Hereditary cancer-predisposing syndrome. Also called: Tumor predisposition; Neoplastic Syndromes, Hereditary; Hereditary Cancer Syndrome; Hereditary neoplastic syndrome. Identifiers: Orphanet 140162, MedGen C0027672, MeSH D009386, MONDO:0015356.

Allele frequency attached by ClinVar (database versions not stated): gnomAD exomes below 0.00001; TOPMed below 0.00001.
gnomAD v4.1: 1 of 1,614,226 alleles (0.000062%); highest among the groups gnomAD compares: Non-Finnish European, 0.000085%; no homozygotes.

Submissions (3):

Labcorp Genetics (formerly Invitae), Labcorp
Classification: Uncertain significance for DICER1-related tumor predisposition. Last evaluated: 2024-04-15. Review status: criteria provided, single submitter. Criteria: Invitae Variant Classification Sherloc (09022015). Collection method: clinical testing. Allele origin: germline.
Comment: This sequence change replaces isoleucine, which is neutral and non-polar, with valine, which is neutral and non-polar, at codon 1663 of the DICER1 protein (p.Ile1663Val). This variant is not present in population databases (gnomAD no frequency). This variant has not been reported in the literature in individuals affected with DICER1-related conditions. ClinVar contains an entry for this variant (Variation ID: 477231). Advanced modeling of protein sequence and biophysical properties (such as structural, functional, and spatial information, amino acid conservation, physicochemical variation, residue mobility, and thermodynamic stability) performed at Invitae indicates that this missense variant is not expected to disrupt DICER1 protein function with a negative predictive value of 80%. In summary, the available evidence is currently insufficient to determine the role of this variant in disease. Therefore, it has been classified as a Variant of Uncertain Significance.

Baylor Genetics
Classification: Uncertain significance for Global developmental delay - lung cysts - overgrowth - Wilms tumor syndrome. Last evaluated: 2023-11-04. Review status: criteria provided, single submitter. Criteria: ACMG Guidelines, 2015. Collection method: clinical testing. Allele origin: unknown.

Ambry Genetics
Classification: Uncertain significance for Hereditary cancer-predisposing syndrome. Last evaluated: 2022-12-27. Review status: criteria provided, single submitter. Criteria: Ambry Variant Classification Scheme 2023. Collection method: clinical testing. Allele origin: germline.
Comment: The p.I1663V variant (also known as c.4987A>G), located in coding exon 22 of the DICER1 gene, results from an A to G substitution at nucleotide position 4987. The isoleucine at codon 1663 is replaced by valine, an amino acid with highly similar properties. This amino acid position is highly conserved in available vertebrate species. In addition, the in silico prediction for this alteration is inconclusive. Since supporting evidence is limited at this time, the clinical significance of this alteration remains unclear.